The following is an entry in ClinVar:

ClinVar aggregate classification (germline): Uncertain significance. Review status: criteria provided, multiple submitters, no conflicts (2 of 4 stars). 4 submissions from 4 submitters: Uncertain significance (4). Last evaluated 2025-05-06.

Allele frequency attached by ClinVar (database versions not stated): ExAC 0.00009; 1000 Genomes Project 0.00020; gnomAD 0.00011 and 0.00012; gnomAD exomes 0.00004 and 0.00009; 1000 Genomes Project 30x 0.00016; TOPMed 0.00012.
gnomAD v4.1: 78 of 1,614,194 alleles (0.0048%); highest among the groups gnomAD compares: African/African-American, 0.037%; no homozygotes.

Submissions (4):

GeneDx
Classification: Uncertain significance. Last evaluated: 2025-05-06. Review status: criteria provided, single submitter. Criteria: GeneDx Variant Classification Process June 2021. Collection method: clinical testing. Allele origin: germline. Affected: yes.
Comment: In silico analysis suggests that this missense variant does not alter protein structure/function; Has not been previously published as pathogenic or benign to our knowledge

Ambry Genetics
Classification: Uncertain significance. Last evaluated: 2025-02-08. Review status: criteria provided, single submitter. Criteria: Ambry Variant Classification Scheme 2023. Collection method: clinical testing. Allele origin: germline.

Labcorp Genetics (formerly Invitae), Labcorp
Classification: Uncertain significance. Last evaluated: 2022-03-20. Review status: criteria provided, single submitter. Criteria: Invitae Variant Classification Sherloc (09022015). Collection method: clinical testing. Allele origin: germline.
Comment: This sequence change replaces valine, which is neutral and non-polar, with methionine, which is neutral and non-polar, at codon 316 of the SERPINB6 protein (p.Val316Met). This variant is present in population databases (rs550855004, gnomAD 0.04%). This variant has not been reported in the literature in individuals affected with SERPINB6-related conditions. ClinVar contains an entry for this variant (Variation ID: 667324). Algorithms developed to predict the effect of missense changes on protein structure and function output the following: SIFT: "Deleterious"; PolyPhen-2: "Benign"; Align-GVGD: "Class C0". The methionine amino acid residue is found in multiple mammalian species, which suggests that this missense change does not adversely affect protein function. In summary, the available evidence is currently insufficient to determine the role of this variant in disease. Therefore, it has been classified as a Variant of Uncertain Significance.

Laboratory for Molecular Medicine, Mass General Brigham Personalized Medicine
Classification: Uncertain significance. Last evaluated: 2018-05-07. Review status: criteria provided, single submitter. Criteria: LMM Criteria. Collection method: clinical testing. Allele origin: germline. Observed: 1 variant allele.
Comment: Variant classified as Uncertain Significance - Favor Benign. The p.Val316Met in SERPINB6 has not been previously reported in individuals with hearing loss, but it has been identified in 0.04% (10/24028) of African chromosomes by the Exome A ggregation Consortium (ExAC; dbSNP rs550855004). The valine (Val) at position 316 is not conserved in mammals or evolutionarily distant species, with two mammals having a methionine (Met), supporting that a c hange at this position may be tolerated. Additional computational prediction too ls do not provide strong support for or against an impact to the protein. In su mmary, while the clinical significance of this variant is uncertain, the conserv ation data suggest that it is more likely to be benign. ACMG/AMP criteria applie d: PS4_Supporting, BP4.

NM_004568.6(SERPINB6):c.946G>A (p.Val316Met)

Gene: SERPINB6 (serpin family B member 6; minus strand). Cytogenetic location: 6p25.2.
Variant type: single nucleotide variant.
Coding change: c.946G>A on transcript NM_004568.6 (MANE Select); coding-DNA position 946, G replaced by A.
Protein change: p.Val316Met; replaces valine 316 with methionine.
Molecular consequence: missense variant. On other transcripts: non-coding transcript variant (1).
Genome position (GRCh38, 1-based): chr6:2,948,483, C>T on the plus strand (G>A on the coding strand, the complement: SERPINB6 is on the minus strand). VCF-style: chr6-2948483-C-T. GRCh37 (hg19) VCF-style: chr6-2948717-C-T.
Other names: c.958G>A, p.Val320Met (NM_001195291.3, NM_001374515.1); c.988G>A, p.Val330Met (NM_001271822.2); c.1003G>A, p.Val335Met (NM_001271823.2); c.946G>A, p.Val316Met (NM_001271824.2, NM_001271825.2, NM_001297699.2 and 2 more transcripts); c.814G>A, p.Val272Met (NM_001374517.1); short protein forms V272M, V320M, V330M, V335M, V316M.
Identifiers: ClinVar variation 667324 (VCV000667324.11), dbSNP rs550855004, ClinGen allele CA3617384.